The following is an entry in ClinVar:

ClinVar aggregate classification (germline): Uncertain significance (1 of 4 stars; one submission).

Conditions:
Primary ciliary dyskinesia. Also called: Ciliary dyskinesia. Identifiers: Orphanet 244, MedGen C0008780, MONDO:0016575, HP:0012265.

Allele frequency attached by ClinVar (database versions not stated): ExAC 0.00001; gnomAD 0.00001; gnomAD exomes 0.00001; TOPMed 0.00001.
gnomAD v4.1: 9 of 1,608,366 alleles (0.00056%); highest among the groups gnomAD compares: Admixed American, 0.0034%; no homozygotes.

Submission:

Labcorp Genetics (formerly Invitae), Labcorp
Classification: Uncertain significance for Primary ciliary dyskinesia. Last evaluated: 2022-06-26. Review status: criteria provided, single submitter. Criteria: Invitae Variant Classification Sherloc (09022015). Collection method: clinical testing. Allele origin: germline.
Comment: This sequence change replaces methionine, which is neutral and non-polar, with valine, which is neutral and non-polar, at codon 609 of the CCDC39 protein (p.Met609Val). This variant is present in population databases (rs762805319, gnomAD 0.0009%). This variant has not been reported in the literature in individuals affected with CCDC39-related conditions. Algorithms developed to predict the effect of missense changes on protein structure and function are either unavailable or do not agree on the potential impact of this missense change (SIFT: "Tolerated"; PolyPhen-2: "Possibly Damaging"; Align-GVGD: "Class C0"). In summary, the available evidence is currently insufficient to determine the role of this variant in disease. Therefore, it has been classified as a Variant of Uncertain Significance.

NM_181426.2(CCDC39):c.1825A>G (p.Met609Val)

Gene: CCDC39 (coiled-coil domain 39 molecular ruler complex subunit; minus strand). Cytogenetic location: 3q26.33.
Variant type: single nucleotide variant.
Coding change: c.1825A>G on transcript NM_181426.2 (MANE Select); coding-DNA position 1825, A replaced by G.
Protein change: p.Met609Val; replaces methionine 609 with valine.
Molecular consequence: missense variant.
Genome position (GRCh38, 1-based): chr3:180,642,042, T>C on the plus strand (A>G on the coding strand, the complement: CCDC39 is on the minus strand). VCF-style: chr3-180642042-T-C. GRCh37 (hg19) VCF-style: chr3-180359830-T-C.
Other names: short protein forms M609V.
Identifiers: ClinVar variation 1983126 (VCV001983126.1), dbSNP rs762805319, ClinGen allele CA2715864.
Genomic context (GRCh38, chr3:180,642,042, plus strand): 5'-CTGAAAATTACCTTATGTTTTCCCGTTCTTGATCAACATATCTTATTTGTGACGCAAGCA[T>C]TGTTTTATGAACCTTGATTTCTTCAGTTCGCTCTTCCATTGCTGTGTATAATTGCTGTTT-3'
Protein context (NP_852091.1, residues 599-619): RTEEIKVHKT[Met609Val]LASQIRYVDQ